The following is an entry in ClinVar:

ClinVar aggregate classification (germline): Pathogenic/Likely pathogenic. Review status: criteria provided, multiple submitters, no conflicts (2 of 4 stars). 3 submissions from 3 submitters: Pathogenic (2); Likely pathogenic (1). Last evaluated 2020-11-21.

Conditions:
Hypertrophic cardiomyopathy. Also called: HYPERTROPHIC MYOCARDIOPATHY. Identifiers: Orphanet 217569, MedGen C0007194, MeSH D002312, MONDO:0005045, HP:0001639.

Allele frequency attached by ClinVar (database versions not stated): gnomAD exomes below 0.00001.
gnomAD v4.1: 1 of 1,607,964 alleles (0.000062%); highest among the groups gnomAD compares: Non-Finnish European, 0.000085%; no homozygotes.

Submissions (3):

Labcorp Genetics (formerly Invitae), Labcorp
Classification: Pathogenic for Hypertrophic cardiomyopathy. Last evaluated: 2020-11-21. Review status: criteria provided, single submitter. Criteria: Invitae Variant Classification Sherloc (09022015). Collection method: clinical testing. Allele origin: germline.
Comment: This sequence change creates a premature translational stop signal (p.Trp683*) in the MYBPC3 gene. It is expected to result in an absent or disrupted protein product. Loss-of-function variants in MYBPC3 are known to be pathogenic (PMID: 19574547). This variant is not present in population databases (ExAC no frequency). This variant has been observed in several individuals affected with hypertrophic cardiomyopathy (PMID: 12707239, 27532257, 25228707). ClinVar contains an entry for this variant (Variation ID: 42591). Algorithms developed to predict the effect of sequence changes on RNA splicing suggest that this variant may create or strengthen a splice site, but this prediction has not been confirmed by published transcriptional studies. For these reasons, this variant has been classified as Pathogenic.

Stanford Center for Inherited Cardiovascular Disease, Stanford University
Classification: Likely pathogenic. Last evaluated: 2012-01-18. Review status: criteria provided, single submitter. Criteria: ACMG Guidelines, 2015. Collection method: provider interpretation. Allele origin: germline.

Laboratory for Molecular Medicine, Mass General Brigham Personalized Medicine
Classification: Pathogenic for Hypertrophic cardiomyopathy. Last evaluated: 2011-12-09. Review status: criteria provided, single submitter. Criteria: LMM Criteria. Collection method: clinical testing. Allele origin: germline. Inheritance: Autosomal dominant inheritance. Observed: 2 variant alleles.
Comment: The Trp683X variant has been reported in 1 individual with HCM and was absent fr om 200 control chromosomes (Richard 2003). This variant leads to a premature sto p at codon 683. This alteration is predicted to lead to a truncated or absent pr otein. Loss of function of the MYBPC3 gene is an established disease mechanism i n HCM patients, which makes it highly likely that the Trp683X variant is pathoge nic.

Literature cited by the submitters: PubMed 19574547 (cited by Labcorp Genetics (formerly Invitae), Labcorp); PubMed 12707239 (cited by Labcorp Genetics (formerly Invitae), Labcorp and Laboratory for Molecular Medicine, Mass General Brigham Personalized Medicine); PubMed 27532257 (cited by Labcorp Genetics (formerly Invitae), Labcorp); PubMed 25228707 (cited by Labcorp Genetics (formerly Invitae), Labcorp).

NM_000256.3(MYBPC3):c.2048G>A (p.Trp683Ter)

Gene: MYBPC3 (myosin binding protein C3; minus strand). Cytogenetic location: 11p11.2.
Variant type: single nucleotide variant.
Coding change: c.2048G>A on transcript NM_000256.3 (MANE Select); coding-DNA position 2048, G replaced by A.
Protein change: p.Trp683Ter; replaces tryptophan 683 with a stop codon.
Molecular consequence: nonsense.
Genome position (GRCh38, 1-based): chr11:47,339,670, C>T on the plus strand (G>A on the coding strand, the complement: MYBPC3 is on the minus strand). VCF-style: chr11-47339670-C-T. GRCh37 (hg19) VCF-style: chr11-47361221-C-T.
Other names: short protein forms W683*.
Identifiers: ClinVar variation 42591 (VCV000042591.13), dbSNP rs397515942, ClinGen allele CA011693.